The following is an entry in ClinVar:

NM_001312909.2(FAM111A):c.880G>C (p.Glu294Gln)

Gene: FAM111A (FAM111 trypsin like peptidase A; plus strand). Cytogenetic location: 11q12.1.
Variant type: single nucleotide variant.
Coding change: c.880G>C on transcript NM_001312909.2 (MANE Select); coding-DNA position 880, G replaced by C.
Protein change: p.Glu294Gln; replaces glutamic acid 294 with glutamine.
Molecular consequence: missense variant.
Genome position (GRCh38, 1-based): chr11:59,152,548, G>C. VCF-style: chr11-59152548-G-C. GRCh37 (hg19) VCF-style: chr11-58920021-G-C.
Other names: c.880G>C, p.Glu294Gln (NM_001142519.3, NM_001142520.3, NM_001142521.3 and 29 more transcripts); short protein forms E294Q.
Identifiers: ClinVar variation 4978062 (VCV004978062.1).

ClinVar aggregate classification (germline): Uncertain significance (1 of 4 stars; one submission).

Conditions:
FAM111A-related disorder. Also called: FAM111A-related condition.

Submission:

PreventionGenetics, part of Exact Sciences
Classification: Uncertain significance for FAM111A-related condition. Last evaluated: 2025-09-20. Review status: criteria provided, single submitter. Criteria: ACMG Guidelines, 2015. Collection method: clinical testing. Allele origin: germline.
Comment: The FAM111A c.880G>C variant is predicted to result in the amino acid substitution p.Glu294Gln. To our knowledge, this variant has not been reported in the literature. This variant is reported in 0.0029% of alleles in individuals of Latino descent in gnomAD. At this time, the clinical significance of this variant is uncertain due to the absence of conclusive functional and genetic evidence.